The following is an entry in ClinVar:

ClinVar aggregate classification (germline): Likely benign. Review status: criteria provided, single submitter (1 of 4 stars). 2 submissions from 2 submitters: Likely benign (1). 1 of the submissions does not count toward it. Last evaluated 2019-12-31.

Conditions:
ARHGEF28-related disorder. Also called: ARHGEF28-related condition.

Allele frequency attached by ClinVar (database versions not stated): ESP Exome Variant Server 0.00059; 1000 Genomes Project 0.00060; ExAC 0.00064; gnomAD exomes 0.00073; gnomAD 0.00076; 1000 Genomes Project 30x 0.00078; TOPMed 0.00099.
gnomAD v4.1: 757 of 1,571,764 alleles (0.048%); highest among the groups gnomAD compares: Admixed American, 0.24%; 3 homozygotes.

Submissions (2):

Labcorp Genetics (formerly Invitae), Labcorp
Classification: Likely benign. Last evaluated: 2019-12-31. Review status: criteria provided, single submitter. Criteria: Invitae Variant Classification Sherloc (09022015). Collection method: clinical testing. Allele origin: germline.

PreventionGenetics, part of Exact Sciences
Classification: Likely benign for ARHGEF28-related condition. Last evaluated: 2022-06-27. Review status: no assertion criteria provided. Collection method: clinical testing. Allele origin: germline. Not counted in ClinVar's aggregate classification.
Comment: This variant is classified as likely benign based on ACMG/AMP sequence variant interpretation guidelines (Richards et al. 2015 PMID: 25741868, with internal and published modifications).

NM_001177693.2(ARHGEF28):c.1717C>T (p.Arg573Cys)

Gene: ARHGEF28 (Rho guanine nucleotide exchange factor 28; plus strand). Cytogenetic location: 5q13.2.
Variant type: single nucleotide variant.
Coding change: c.1717C>T on transcript NM_001177693.2 (MANE Select); coding-DNA position 1717, C replaced by T.
Protein change: p.Arg573Cys; replaces arginine 573 with cysteine.
Molecular consequence: missense variant.
Genome position (GRCh38, 1-based): chr5:73,849,057, C>T. VCF-style: chr5-73849057-C-T. GRCh37 (hg19) VCF-style: chr5-73144882-C-T.
Other names: c.1717C>T, p.Arg573Cys (NM_001080479.3, NM_001388078.1); c.778C>T, p.Arg260Cys (NM_001244364.2); c.1423C>T, p.Arg475Cys (NM_001388076.1); short protein forms R573C, R260C, R475C.
Identifiers: ClinVar variation 731595 (VCV000731595.6), dbSNP rs200889312, ClinGen allele CA3304607.
Genomic context (GRCh38, chr5:73,849,057, plus strand): 5'-CGCTCACGTTCTTATTCTTGCTCATCACCCAAAATTTCTTTAGGAAAAACTCGTTTGGTG[C>T]GTGAATTAACAGTATGCAGTTCAAGTGAAGGTAAGCATCATTTAACATTTGGCTTTGAAA-3'
Protein context (NP_001171164.1, residues 563-583): KISLGKTRLV[Arg573Cys]ELTVCSSSEE